The following is an entry in ClinVar:

NM_001365951.3(KIF1B):c.2574G>C (p.Arg858Ser)

Gene: KIF1B (kinesin family member 1B; plus strand). Cytogenetic location: 1p36.22.
Variant type: single nucleotide variant.
Coding change: c.2574G>C on transcript NM_001365951.3 (MANE Select); coding-DNA position 2574, G replaced by C.
Protein change: p.Arg858Ser; replaces arginine 858 with serine.
Molecular consequence: missense variant.
Genome position (GRCh38, 1-based): chr1:10,324,794, G>C. VCF-style: chr1-10324794-G-C. GRCh37 (hg19) VCF-style: chr1-10384852-G-C.
Other names: c.2574G>C, p.Arg858Ser (NM_001365952.1); c.2436G>C, p.Arg812Ser (NM_015074.3); short protein forms R812S, R858S.
Identifiers: ClinVar variation 1791233 (VCV001791233.2), dbSNP rs2521629499, ClinGen allele CA338335530.
Genomic context (GRCh38, chr1:10,324,794, plus strand): 5'-ATGTGCTTTGTGTTTACTAAATAGGCAGAGGCTGGATTTGATGCGAGAGATGTATGATAG[G>C]GCAGGGGAGATGGCCTCCAGTGCCCAAGACGAAAGCGAAACCACTGTGACTGGCAGCGAT-3'
Protein context (NP_001352880.1, residues 848-868): RLDLMREMYD[Arg858Ser]AGEMASSAQD

ClinVar aggregate classification (germline): Uncertain significance (1 of 4 stars; one submission).

Submission:

Ambry Genetics
Classification: Uncertain significance. Last evaluated: 2020-10-28. Review status: criteria provided, single submitter. Criteria: Ambry Variant Classification Scheme 2023. Collection method: clinical testing. Allele origin: germline.
Comment: The p.R812S variant (also known as c.2436G>C), located in coding exon 23 of the KIF1B gene, results from a G to C substitution at nucleotide position 2436. The arginine at codon 812 is replaced by serine, an amino acid with dissimilar properties. This amino acid position is highly conserved in available vertebrate species. In addition, this alteration is predicted to be deleterious by in silico analysis. Since supporting evidence is limited at this time, the clinical significance of this alteration remains unclear.